The following is an entry in ClinVar:

ClinVar aggregate classification (germline): Uncertain significance (1 of 4 stars; one submission).

gnomAD v4.1: 6 of 1,606,166 alleles (0.00037%); highest among the groups gnomAD compares: Non-Finnish European, 0.00051%; no homozygotes.

Submission:

Labcorp Genetics (formerly Invitae), Labcorp
Classification: Uncertain significance. Last evaluated: 2022-08-23. Review status: criteria provided, single submitter. Criteria: Invitae Variant Classification Sherloc (09022015). Collection method: clinical testing. Allele origin: germline.
Comment: This sequence change replaces glutamic acid, which is acidic and polar, with glycine, which is neutral and non-polar, at codon 685 of the MYO5B protein (p.Glu685Gly). This variant is not present in population databases (gnomAD no frequency). This variant has not been reported in the literature in individuals affected with MYO5B-related conditions. ClinVar contains an entry for this variant (Variation ID: 1447462). Algorithms developed to predict the effect of missense changes on protein structure and function are either unavailable or do not agree on the potential impact of this missense change (SIFT: "Deleterious"; PolyPhen-2: "Probably Damaging"; Align-GVGD: "Class C0"). Algorithms developed to predict the effect of sequence changes on RNA splicing suggest that this variant may disrupt the consensus splice site. In summary, the available evidence is currently insufficient to determine the role of this variant in disease. Therefore, it has been classified as a Variant of Uncertain Significance.

NM_001080467.3(MYO5B):c.2054A>G (p.Glu685Gly)

Gene: MYO5B (myosin VB; minus strand). Cytogenetic location: 18q21.1.
Variant type: single nucleotide variant.
Coding change: c.2054A>G on transcript NM_001080467.3 (MANE Select); coding-DNA position 2054, A replaced by G.
Protein change: p.Glu685Gly; replaces glutamic acid 685 with glycine.
Molecular consequence: missense variant.
Genome position (GRCh38, 1-based): chr18:49,929,548, T>C on the plus strand (A>G on the coding strand, the complement: MYO5B is on the minus strand). VCF-style: chr18-49929548-T-C. GRCh37 (hg19) VCF-style: chr18-47455918-T-C.
Other names: short protein forms E685G.
Identifiers: ClinVar variation 1447462 (VCV001447462.3), dbSNP rs2144194943, ClinGen allele CA402442777.
Genomic context (GRCh38, chr18:49,929,548, plus strand): 5'-GCAGCTGGCGGGCACGTTAGTTACCTGGATGGGTAGCCAGCTGCACTGATTCGAATCGTC[T>C]CCAACACCCCGCAGGCTCTGAGTTGCTGCACTGCTCTCTTTGGGTCAAAGCTGCCAAAGG-3'
Protein context (NP_001073936.1, residues 675-695): VQQLRACGVL[Glu685Gly]TIRISAAGYP